The following is an entry in ClinVar:

ClinVar aggregate classification (germline): Likely pathogenic (1 of 4 stars; one submission).

Submission:

Labcorp Genetics (formerly Invitae), Labcorp
Classification: Likely pathogenic. Last evaluated: 2025-05-12. Review status: criteria provided, single submitter. Criteria: Invitae Variant Classification Sherloc (09022015). Collection method: clinical testing. Allele origin: germline.
Comment: This sequence change replaces phenylalanine, which is neutral and non-polar, with leucine, which is neutral and non-polar, at codon 90 of the FOXL2 protein (p.Phe90Leu). This variant is not present in population databases (gnomAD no frequency). This missense change has been observed in individual(s) with autosomal dominant blepharophimosis, ptosis, and epicanthus inversus syndrome (internal data). ClinVar contains an entry for this variant (Variation ID: 2125656). An algorithm developed to predict the effect of missense changes on protein structure and function (PolyPhen-2) suggests that this variant is likely to be disruptive. This variant disrupts the p.Phe90 amino acid residue in FOXL2. Other variant(s) that disrupt this residue have been determined to be pathogenic (PMID: 18372316, 18642388). This suggests that this residue is clinically significant, and that variants that disrupt this residue are likely to be disease-causing. In summary, the currently available evidence indicates that the variant is pathogenic, but additional data are needed to prove that conclusively. Therefore, this variant has been classified as Likely Pathogenic.

Literature cited by the submitters: PubMed 18372316; PubMed 18642388.

NM_023067.4(FOXL2):c.268T>C (p.Phe90Leu)

Gene: FOXL2 (forkhead box L2; minus strand). Cytogenetic location: 3q22.3.
Variant type: single nucleotide variant.
Coding change: c.268T>C on transcript NM_023067.4 (MANE Select); coding-DNA position 268, T replaced by C.
Protein change: p.Phe90Leu; replaces phenylalanine 90 with leucine.
Molecular consequence: missense variant.
Genome position (GRCh38, 1-based): chr3:138,946,455, A>G on the plus strand (T>C on the coding strand, the complement: FOXL2 is on the minus strand). VCF-style: chr3-138946455-A-G. GRCh37 (hg19) VCF-style: chr3-138665297-A-G.
Other names: short protein forms F90L.
Identifiers: ClinVar variation 2125656 (VCV002125656.4), dbSNP rs2473814910, ClinGen allele CA354707098.